The following is an entry in ClinVar:

NM_000257.4(MYH7):c.1951C>T (p.His651Tyr)

Gene: MYH7 (myosin heavy chain 7; minus strand). Cytogenetic location: 14q11.2.
Variant type: single nucleotide variant.
Coding change: c.1951C>T on transcript NM_000257.4 (MANE Select); coding-DNA position 1951, C replaced by T.
Protein change: p.His651Tyr; replaces histidine 651 with tyrosine.
Molecular consequence: missense variant.
Genome position (GRCh38, 1-based): chr14:23,427,245, G>A on the plus strand (C>T on the coding strand, the complement: MYH7 is on the minus strand). VCF-style: chr14-23427245-G-A. GRCh37 (hg19) VCF-style: chr14-23896454-G-A.
Other names: c.1951C>T (NM_000257.2); short protein forms H651Y.
Identifiers: ClinVar variation 924556 (VCV000924556.15), dbSNP rs1892728751, ClinGen allele CA389049469.

ClinVar aggregate classification (germline): Uncertain significance. Review status: criteria provided, multiple submitters, no conflicts (2 of 4 stars). 3 submissions from 3 submitters: Uncertain significance (3). Last evaluated 2026-05-15.

Conditions:
Cardiomyopathy (CMYO). Also called: Cardiomyopathies. Identifiers: Orphanet 167848, MedGen C0878544, MONDO:0004994, HP:0001638. Inheritance: Various modes of inheritance.
Hypertrophic cardiomyopathy. Also called: HYPERTROPHIC MYOCARDIOPATHY. Identifiers: Orphanet 217569, MedGen C0007194, MeSH D002312, MONDO:0005045, HP:0001639.

Submissions (3):

GeneDx
Classification: Uncertain significance. Last evaluated: 2026-05-15. Review status: criteria provided, single submitter. Criteria: GeneDx Variant Classification Process June 2021. Collection method: clinical testing. Allele origin: germline.
Comment: Not observed at significant frequency in large population cohorts (gnomAD); In silico analysis suggests that this missense variant does not alter protein structure/function; Has not been previously published as pathogenic or benign to our knowledge; This variant is associated with the following publications: (PMID: 27532257, 29300372)

Labcorp Genetics (formerly Invitae), Labcorp
Classification: Uncertain significance for Hypertrophic cardiomyopathy. Last evaluated: 2022-06-25. Review status: criteria provided, single submitter. Criteria: Invitae Variant Classification Sherloc (09022015). Collection method: clinical testing. Allele origin: germline.
Comment: In summary, the available evidence is currently insufficient to determine the role of this variant in disease. Therefore, it has been classified as a Variant of Uncertain Significance. This variant is found within a region of MYH7 between codons 181 and 937 that contains the majority of the myosin head domain. Missense variants in this region have been shown to be significantly overrepresented in individuals with hypertrophic cardiomyopathy (PMID: 27532257). Algorithms developed to predict the effect of missense changes on protein structure and function (SIFT, PolyPhen-2, Align-GVGD) all suggest that this variant is likely to be disruptive. ClinVar contains an entry for this variant (Variation ID: 924556). This variant has not been reported in the literature in individuals affected with MYH7-related conditions. This variant is not present in population databases (gnomAD no frequency). This sequence change replaces histidine, which is basic and polar, with tyrosine, which is neutral and polar, at codon 651 of the MYH7 protein (p.His651Tyr).

Color Diagnostics, LLC DBA Color Health
Classification: Uncertain significance for Cardiomyopathy. Last evaluated: 2019-12-30. Review status: criteria provided, single submitter. Criteria: ACMG Guidelines, 2015. Collection method: clinical testing. Allele origin: germline.
Comment: This missense variant replaces histidine with tyrosine at codon 651 of the MYH7 protein. Computational prediction is inconclusive regarding the impact of this variant on protein structure and function (internally defined REVEL score threshold 0.5 < inconclusive < 0.7, PMID: 27666373). Splice site prediction tools suggest that this variant may not impact RNA splicing. To our knowledge, functional studies have not been performed for this variant. This variant has not been reported in individuals affected with cardiovascular disorders in the literature. This variant has not been identified in the general population by the Genome Aggregation Database (gnomAD). The available evidence is insufficient to determine the role of this variant in disease conclusively. Therefore, this variant is classified as a Variant of Uncertain Significance.

Literature cited by the submitters: PubMed 27532257 (cited by Labcorp Genetics (formerly Invitae), Labcorp).